The following is an entry in ClinVar:

NM_000264.5(PTCH1):c.505G>C (p.Val169Leu)

Gene: PTCH1 (patched 1; minus strand). Cytogenetic location: 9q22.32.
Variant type: single nucleotide variant.
Coding change: c.505G>C on transcript NM_000264.5 (MANE Select); coding-DNA position 505, G replaced by C.
Protein change: p.Val169Leu; replaces valine 169 with leucine.
Molecular consequence: missense variant. On other transcripts: non-coding transcript variant (1).
Genome position (GRCh38, 1-based): chr9:95,485,764, C>G on the plus strand (G>C on the coding strand, the complement: PTCH1 is on the minus strand). VCF-style: chr9-95485764-C-G. GRCh37 (hg19) VCF-style: chr9-98248046-C-G.
Other names: c.307G>C, p.Val103Leu (NM_001083602.3, NM_001354919.2); c.502G>C, p.Val168Leu (NM_001083603.3); c.52G>C, p.Val18Leu (NM_001083604.3, NM_001083605.3, NM_001083606.3 and 1 more transcripts); c.505G>C, p.Val169Leu (NM_001354918.2); short protein forms V103L, V18L, V168L, V169L.
Identifiers: ClinVar variation 2753189 (VCV002753189.3), dbSNP rs1220933796, ClinGen allele CA374116882.

ClinVar aggregate classification (germline): Uncertain significance (1 of 4 stars; one submission).

Conditions:
Gorlin syndrome. Also called: Nevoid Basal Cell Carcinoma Syndrome; Basal cell nevus syndrome. Identifiers: Orphanet 377, MedGen C0004779, MONDO:0007187.

Submission:

Labcorp Genetics (formerly Invitae), Labcorp
Classification: Uncertain significance for Gorlin syndrome. Last evaluated: 2023-08-22. Review status: criteria provided, single submitter. Criteria: Invitae Variant Classification Sherloc (09022015). Collection method: clinical testing. Allele origin: germline.
Comment: This sequence change replaces valine, which is neutral and non-polar, with leucine, which is neutral and non-polar, at codon 169 of the PTCH1 protein (p.Val169Leu). This variant is not present in population databases (gnomAD no frequency). This variant has not been reported in the literature in individuals affected with PTCH1-related conditions. Advanced modeling of protein sequence and biophysical properties (such as structural, functional, and spatial information, amino acid conservation, physicochemical variation, residue mobility, and thermodynamic stability) performed at Invitae indicates that this missense variant is not expected to disrupt PTCH1 protein function. In summary, the available evidence is currently insufficient to determine the role of this variant in disease. Therefore, it has been classified as a Variant of Uncertain Significance.